The following is an entry in ClinVar:

ClinVar aggregate classification (germline): Uncertain significance (1 of 4 stars; one submission).

gnomAD v4.1: 1 of 1,559,800 alleles (0.000064%); highest among the groups gnomAD compares: East Asian, 0.0025%; no homozygotes.

Submission:

Ambry Genetics
Classification: Uncertain significance. Last evaluated: 2025-04-03. Review status: criteria provided, single submitter. Criteria: Ambry Variant Classification Scheme 2023. Collection method: clinical testing. Allele origin: germline.
Comment: The p.G4C variant (also known as c.10G>T), located in coding exon 1 of the SRP72 gene, results from a G to T substitution at nucleotide position 10. The glycine at codon 4 is replaced by cysteine, an amino acid with highly dissimilar properties. This amino acid position is conserved. In addition, this alteration is predicted to be tolerated by in silico analysis. Based on the available evidence, the clinical significance of this variant remains unclear.

NM_006947.4(SRP72):c.10G>T (p.Gly4Cys)

Genes: SRP72 (signal recognition particle 72; plus strand), LOC129992625 (ATAC-STARR-seq lymphoblastoid active region 21580; plus strand). Cytogenetic location: 4q12.
Variant type: single nucleotide variant.
Coding change: c.10G>T on transcript NM_006947.4 (MANE Select); coding-DNA position 10, G replaced by T.
Protein change: p.Gly4Cys; replaces glycine 4 with cysteine.
Molecular consequence: missense variant. On other transcripts: non-coding transcript variant (1).
Genome position (GRCh38, 1-based): chr4:56,467,645, G>T. VCF-style: chr4-56467645-G-T. GRCh37 (hg19) VCF-style: chr4-57333811-G-T.
Other names: c.10G>T, p.Gly4Cys (NM_001267722.2); short protein forms G4C.
Identifiers: ClinVar variation 3962052 (VCV003962052.1).